The following is an entry in ClinVar:

NM_001009944.3(PKD1):c.11693_11702del (p.Ser3898fs)

Genes: PKD1 (polycystin 1, transient receptor potential channel interacting; minus strand), PKD1-AS1 (PKD1 antisense RNA 1; plus strand). Cytogenetic location: 16p13.3.
Variant type: Deletion.
Coding change: c.11693_11702del on transcript NM_001009944.3 (MANE Select); coding-DNA positions 11693 to 11702, 10 bases deleted (CGCTGCCTCT; older notation c.11693_11702delCGCTGCCTCT).
Protein change: p.Ser3898fs; shifts the reading frame from serine 3898.
Molecular consequence: frameshift variant.
Genome position (GRCh38, 1-based): chr16:2,091,433-2,091,442, AGAGGCAGCG deleted on the plus strand (CGCTGCCTCT on the coding strand, the reverse complement: PKD1 is on the minus strand); deleting any 10 consecutive bases within chr16:2,091,433-2,091,448 gives the same sequence; the c. name uses the placement nearest the transcript's 3' end. VCF-style (leftmost placement, unchanged base first): chr16-2091432-CAGAGGCAGCG-C. GRCh37 (hg19) VCF-style: chr16-2141433-CAGAGGCAGCG-C.
Other names: c.11690_11699del, p.Ser3897fs (NM_000296.4); short protein forms S3897fs, S3898fs.
Identifiers: ClinVar variation 3234087 (VCV003234087.1), dbSNP rs2544613308, ClinGen allele CA2825002349.

ClinVar aggregate classification (germline): Pathogenic (1 of 4 stars; one submission).

Conditions:
Polycystic kidney disease, adult type (PKD1). Also called: Polycystic Kidney Disease 1, Autosomal Dominant; Polycystic kidney disease 1; Polycystic kidney disease 1, severe; Polycystic Kidney, Autosomal Dominant; POLYCYSTIC KIDNEY DISEASE 1 WITH OR WITHOUT POLYCYSTIC LIVER DISEASE; POLYCYSTIC KIDNEY DISEASE, ADULT, TYPE I. Identifiers: MedGen C3149841, MONDO:0008263, OMIM 173900.

Submission:

MVZ Medizinische Genetik Mainz
Classification: Pathogenic for Polycystic kidney disease, adult type. Last evaluated: 2022-12-14. Review status: criteria provided, single submitter. Criteria: UK Practice Guidelines For Variant Classification V4 01 2020. Collection method: clinical testing. Allele origin: germline. Inheritance: Autosomal dominant inheritance. Affected: yes. Observed: 1 variant allele.
Comment: ACMG Criteria: PVS1, PM2_SUP, PP4